The following is an entry in ClinVar:

ClinVar aggregate classification (germline): Uncertain significance. Review status: criteria provided, multiple submitters, no conflicts (2 of 4 stars). 2 submissions from 2 submitters: Uncertain significance (2). Last evaluated 2022-09-03.

Conditions:
Familial hypocalciuric hypercalcemia (FHH). Also called: Familial benign hypercalcemia. Identifiers: Orphanet 405, MedGen C1809471, MONDO:0018458.
Autosomal dominant hypocalcemia 1 (HYPOC1). Also called: HYPOCALCEMIA, FAMILIAL. Identifiers: MedGen C3715128, MONDO:0011013, OMIM 601198.
Epilepsy, idiopathic generalized, susceptibility to, 8. Identifiers: MedGen C2752062, MONDO:0013032, OMIM 612899.
Neonatal severe primary hyperparathyroidism. Identifiers: Orphanet 417, MedGen C1832615, MONDO:0009397, OMIM 239200.
Familial hypocalciuric hypercalcemia 1. Also called: Hypercalcemia, familial benign type 1. Identifiers: Orphanet 405, Orphanet 93372, MedGen C0342637, MONDO:0007791, OMIM 145980.

Submissions (2):

Labcorp Genetics (formerly Invitae), Labcorp
Classification: Uncertain significance for Familial hypocalciuric hypercalcemia; Autosomal dominant hypocalcemia 1. Last evaluated: 2022-09-03. Review status: criteria provided, single submitter. Criteria: Invitae Variant Classification Sherloc (09022015). Collection method: clinical testing. Allele origin: germline.
Comment: This sequence change replaces threonine, which is neutral and polar, with serine, which is neutral and polar, at codon 780 of the CASR protein (p.Thr780Ser). In summary, the available evidence is currently insufficient to determine the role of this variant in disease. Therefore, it has been classified as a Variant of Uncertain Significance. Algorithms developed to predict the effect of sequence changes on RNA splicing suggest that this variant may create or strengthen a splice site. Algorithms developed to predict the effect of missense changes on protein structure and function (SIFT, PolyPhen-2, Align-GVGD) all suggest that this variant is likely to be disruptive. ClinVar contains an entry for this variant (Variation ID: 639389). This variant has not been reported in the literature in individuals affected with CASR-related conditions. This variant is not present in population databases (gnomAD no frequency).

Fulgent Genetics
Classification: Uncertain significance for Familial hypocalciuric hypercalcemia 1; Neonatal severe primary hyperparathyroidism; Autosomal dominant hypocalcemia 1; Epilepsy, idiopathic generalized, susceptibility to, 8. Last evaluated: 2022-02-12. Review status: criteria provided, single submitter. Criteria: ACMG Guidelines, 2015. Collection method: clinical testing. Allele origin: unknown.

NM_000388.4(CASR):c.2339C>G (p.Thr780Ser)

Gene: CASR (calcium sensing receptor; plus strand). Cytogenetic location: 3q21.1.
Variant type: single nucleotide variant.
Coding change: c.2339C>G on transcript NM_000388.4 (MANE Select); coding-DNA position 2339, C replaced by G.
Protein change: p.Thr780Ser; replaces threonine 780 with serine.
Molecular consequence: missense variant.
Genome position (GRCh38, 1-based): chr3:122,284,293, C>G. VCF-style: chr3-122284293-C-G. GRCh37 (hg19) VCF-style: chr3-122003140-C-G.
Other names: c.2369C>G, p.Thr790Ser (NM_001178065.2); short protein forms T790S, T780S.
Identifiers: ClinVar variation 639389 (VCV000639389.10), dbSNP rs754332943, ClinGen allele CA354159581.
Genomic context (GRCh38, chr3:122,284,293, plus strand): 5'-TCATCTTCATCACGTGCCACGAGGGCTCCCTCATGGCCCTGGGCTTCCTGATCGGCTACA[C>G]CTGCCTGCTGGCTGCCATCTGCTTCTTCTTTGCCTTCAAGTCCCGGAAGCTGCCGGAGAA-3'
Protein context (NP_000379.3, residues 770-790): LMALGFLIGY[Thr780Ser]CLLAAICFFF